The following is an entry in ClinVar:

ClinVar aggregate classification (germline): Likely benign (1 of 4 stars; one submission).

gnomAD v4.1: 208 of 1,535,812 alleles (0.014%); highest among the groups gnomAD compares: Middle Eastern, 0.23%; 2 homozygotes.

Submission:

CeGaT Center for Human Genetics Tuebingen
Classification: Likely benign. Last evaluated: 2025-07-01. Review status: criteria provided, single submitter. Criteria: CeGaT Center For Human Genetics Tuebingen Variant Classification Criteria Version 2. Collection method: clinical testing. Allele origin: germline. Affected: yes. Observed: 1 variant allele.
Comment: TEX15: BP4, BS2

NM_001350162.2(TEX15):c.86A>G (p.Asn29Ser)

Gene: TEX15 (testis expressed 15, meiosis and synapsis associated; minus strand). Cytogenetic location: 8p12.
Variant type: single nucleotide variant.
Coding change: c.86A>G on transcript NM_001350162.2 (MANE Select); coding-DNA position 86, A replaced by G.
Protein change: p.Asn29Ser; replaces asparagine 29 with serine.
Molecular consequence: missense variant. On other transcripts: non-coding transcript variant (1).
Genome position (GRCh38, 1-based): chr8:30,887,217, T>C on the plus strand (A>G on the coding strand, the complement: TEX15 is on the minus strand). VCF-style: chr8-30887217-T-C. GRCh37 (hg19) VCF-style: chr8-30744733-T-C.
Other names: short protein forms N29S.
Identifiers: ClinVar variation 4083658 (VCV004083658.8).
Genomic context (GRCh38, chr8:30,887,217, plus strand): 5'-GAAATATTACCTTTCTCAGCTGTCCTCCTGATCTTAGGAATGGTGAATTTCTTCAAAGGA[T>C]TGACTTCACGAGTATTCAACACGGGTTTGCTAGTTGAGCTCATTTGCCACAGTGTATCCT-3'
Protein context (NP_001337091.1, residues 19-39): SKPVLNTREV[Asn29Ser]PLKKFTIPKI